The following is an entry in ClinVar:

NM_014244.5(ADAMTS2):c.2385G>A (p.Trp795Ter)

Gene: ADAMTS2 (ADAM metallopeptidase with thrombospondin type 1 motif 2; minus strand). Cytogenetic location: 5q35.3.
Variant type: single nucleotide variant.
Coding change: c.2385G>A on transcript NM_014244.5 (MANE Select); coding-DNA position 2385, G replaced by A.
Protein change: p.Trp795Ter; replaces tryptophan 795 with a stop codon.
Molecular consequence: nonsense.
Genome position (GRCh38, 1-based): chr5:179,130,004, C>T on the plus strand (G>A on the coding strand, the complement: ADAMTS2 is on the minus strand). VCF-style: chr5-179130004-C-T. GRCh37 (hg19) VCF-style: chr5-178557005-C-T.
Other names: short protein forms W795*.
Identifiers: ClinVar variation 838442 (VCV000838442.12), dbSNP rs1762930637, ClinGen allele CA362423984.

ClinVar aggregate classification (germline): Pathogenic (1 of 4 stars; one submission).

Conditions:
Ehlers-Danlos syndrome, dermatosparaxis type. Also called: Dermatosparaxis; Ehlers-Danlos syndrome, type VII, autosomal recessive; EDS VIIC. Identifiers: Orphanet 1901, MedGen C2700425, MONDO:0009161, OMIM 225410.

Submission:

Labcorp Genetics (formerly Invitae), Labcorp
Classification: Pathogenic for Ehlers-Danlos syndrome, dermatosparaxis type. Last evaluated: 2019-12-13. Review status: criteria provided, single submitter. Criteria: Invitae Variant Classification Sherloc (09022015). Collection method: clinical testing. Allele origin: germline.
Comment: This sequence change creates a premature translational stop signal (p.Trp795*) in the ADAMTS2 gene. It is expected to result in an absent or disrupted protein product. This variant is not present in population databases (ExAC no frequency). This variant has been observed in individual(s) with Ehlers-Danlos syndrome (PMID: 26765342). Loss-of-function variants in ADAMTS2 are known to be pathogenic (PMID: 10417273). For these reasons, this variant has been classified as Pathogenic.

Literature cited by the submitters: PubMed 26765342; PubMed 10417273.